The following is an entry in ClinVar:

ClinVar aggregate classification (germline): Likely pathogenic (1 of 4 stars; one submission).

Conditions:
Pyruvate carboxylase deficiency. Also called: Pyruvate Carboxylase Deficiency Disease; ATAXIA WITH LACTIC ACIDOSIS II; LEIGH NECROTIZING ENCEPHALOPATHY DUE TO PYRUVATE CARBOXYLASE DEFICIENCY; LEIGH SYNDROME DUE TO PYRUVATE CARBOXYLASE DEFICIENCY; PC DEFICIENCY. Identifiers: Orphanet 3008, MedGen C0034341, MONDO:0009949, OMIM 266150.

Submission:

Labcorp Genetics (formerly Invitae), Labcorp
Classification: Likely pathogenic for Pyruvate carboxylase deficiency. Last evaluated: 2023-08-07. Review status: criteria provided, single submitter. Criteria: Invitae Variant Classification Sherloc (09022015). Collection method: clinical testing. Allele origin: germline.
Comment: In summary, the currently available evidence indicates that the variant is pathogenic, but additional data are needed to prove that conclusively. Therefore, this variant has been classified as Likely Pathogenic. Algorithms developed to predict the effect of sequence changes on RNA splicing suggest that this variant may disrupt the consensus splice site. This variant has not been reported in the literature in individuals affected with PC-related conditions. This variant is not present in population databases (gnomAD no frequency). This sequence change affects a donor splice site in intron 3 of the PC gene. It is expected to disrupt RNA splicing. Variants that disrupt the donor or acceptor splice site typically lead to a loss of protein function (PMID: 16199547), and loss-of-function variants in PC are known to be pathogenic (PMID: 12112657, 19306334).

Literature cited by the submitters: PubMed 16199547; PubMed 12112657; PubMed 19306334.

NM_001040716.2(PC):c.136+1G>T

Gene: PC (pyruvate carboxylase; minus strand). Cytogenetic location: 11q13.2.
Variant type: single nucleotide variant.
Coding change: c.136+1G>T on transcript NM_001040716.2 (MANE Select); the canonical splice donor site of the intron after coding-DNA position 136, G replaced by T.
Molecular consequence: splice donor variant.
Genome position (GRCh38, 1-based): chr11:66,872,023, C>A on the plus strand (G>T on the coding strand, the complement: PC is on the minus strand). VCF-style: chr11-66872023-C-A. GRCh37 (hg19) VCF-style: chr11-66639494-C-A.
Other names: c.136+1G>T (NM_000920.4, NM_022172.3).
Identifiers: ClinVar variation 2750975 (VCV002750975.3), dbSNP rs2495804812, ClinGen allele CA381503337.